The following is an entry in ClinVar:

ClinVar aggregate classification (germline): Uncertain significance. Review status: criteria provided, multiple submitters, no conflicts (2 of 4 stars). 7 submissions from 7 submitters: Uncertain significance (5). 2 of the submissions do not count toward it. Last evaluated 2025-10-29.

Conditions:
Hereditary cancer-predisposing syndrome. Also called: Neoplastic Syndromes, Hereditary; Hereditary Cancer Syndrome; Hereditary neoplastic syndrome; Tumor predisposition. Identifiers: Orphanet 140162, MedGen C0027672, MeSH D009386, MONDO:0015356.
Bloom syndrome (BLM). Also called: Bloom-Torre-Machacek syndrome. Identifiers: Orphanet 125, MedGen C0005859, MONDO:0008876, OMIM 210900.

Allele frequency attached by ClinVar (database versions not stated): gnomAD exomes below 0.00001 and 0.00001; TOPMed 0.00002; gnomAD 0.00003.
gnomAD v4.1: 18 of 1,614,032 alleles (0.0011%); highest among the groups gnomAD compares: African/African-American, 0.012%; no homozygotes.

Submissions (7):

Labcorp Genetics (formerly Invitae), Labcorp
Classification: Uncertain significance for Bloom syndrome. Last evaluated: 2025-10-29. Review status: criteria provided, single submitter. Criteria: Invitae Variant Classification Sherloc (09022015). Collection method: clinical testing. Allele origin: germline.
Comment: This sequence change replaces isoleucine, which is neutral and non-polar, with threonine, which is neutral and polar, at codon 947 of the BLM protein (p.Ile947Thr). This variant is present in population databases (no rsID available, gnomAD 0.008%). This variant has not been reported in the literature in individuals affected with BLM-related conditions. ClinVar contains an entry for this variant (Variation ID: 558521). Invitae Evidence Modeling of protein sequence and biophysical properties (such as structural, functional, and spatial information, amino acid conservation, physicochemical variation, residue mobility, and thermodynamic stability) indicates that this missense variant is expected to disrupt BLM protein function with a positive predictive value of 80%. In summary, the available evidence is currently insufficient to determine the role of this variant in disease. Therefore, it has been classified as a Variant of Uncertain Significance.

Ambry Genetics
Classification: Uncertain significance for Hereditary cancer-predisposing syndrome. Last evaluated: 2025-06-19. Review status: criteria provided, single submitter. Criteria: Ambry Variant Classification Scheme 2023. Collection method: clinical testing. Allele origin: germline.

Quest Diagnostics Nichols Institute San Juan Capistrano
Classification: Uncertain significance. Last evaluated: 2025-04-02. Review status: criteria provided, single submitter. Criteria: Quest Diagnostics criteria. Collection method: clinical testing. Allele origin: unknown.
Comment: The BLM c.2840T>C (p.Ile947Thr) variant has not been reported in individuals with BLM-related conditions in the published literature. The frequency of this variant in the general population (Genome Aggregation Database) is uninformative in the assessment of its pathogenicity. Analysis of this variant using bioinformatics tools for the prediction of the effect of amino acid changes on protein structure and function yielded predictions that this variant is damaging. Based on the available information, we are unable to determine the clinical significance of this variant.

Baylor Genetics
Classification: Uncertain significance for Bloom syndrome. Last evaluated: 2023-05-11. Review status: criteria provided, single submitter. Criteria: ACMG Guidelines, 2015. Collection method: clinical testing. Allele origin: unknown.

St. Jude Molecular Pathology, St. Jude Children's Research Hospital
Classification: Uncertain significance for Bloom syndrome. Last evaluated: 2022-09-28. Review status: criteria provided, single submitter. Criteria: St. Jude Assertion Criteria 2020. Collection method: clinical testing. Allele origin: germline.
Comment: The BLM c.2840T>C (p.Ile947Thr) missense change has a maximum subpopulation frequency of 0.008% in gnomAD v2.1.1. The in silico tool REVEL predicts a deleterious effect on protein function, and to our knowledge functional studies have not been performed. To our knowledge, this variant has not been reported in individuals with Bloom syndrome.  In summary, the evidence currently available is insufficient to determine the clinical significance of this variant. It has therefore been classified as of uncertain significance.

Natera, Inc.
Classification: Uncertain significance for Bloom syndrome. Last evaluated: 2020-09-16. Review status: no assertion criteria provided. Collection method: clinical testing. Allele origin: germline. Not counted in ClinVar's aggregate classification.

Counsyl
Classification: Uncertain significance for Bloom syndrome. Last evaluated: 2018-05-24. Review status: no assertion criteria provided. Collection method: clinical testing. Allele origin: unknown. Not counted in ClinVar's aggregate classification.

NM_000057.4(BLM):c.2840T>C (p.Ile947Thr)

Gene: BLM (BLM RecQ like helicase; plus strand). Cytogenetic location: 15q26.1.
Variant type: single nucleotide variant.
Coding change: c.2840T>C on transcript NM_000057.4 (MANE Select); coding-DNA position 2840, T replaced by C.
Protein change: p.Ile947Thr; replaces isoleucine 947 with threonine.
Molecular consequence: missense variant.
Genome position (GRCh38, 1-based): chr15:90,790,665, T>C. VCF-style: chr15-90790665-T-C. GRCh37 (hg19) VCF-style: chr15-91333895-T-C.
Other names: c.2840T>C, p.Ile947Thr (NM_001287246.2, NM_001287247.2); c.1715T>C, p.Ile572Thr (NM_001287248.2); short protein forms I947T, I572T.
Identifiers: ClinVar variation 558521 (VCV000558521.19), dbSNP rs1024172175, ClinGen allele CA274764560.
Genomic context (GRCh38, chr15:90,790,665, plus strand): 5'-AGTCTGTGCCTTATGAATCTAATAAGCTTTTGCTTTTATATCAGGTTATCTGTGCTACAA[T>C]TGCATTTGGAATGGGGATTGACAAACCGGACGTGCGATTTGTGATTCATGCATCTCTCCC-3'
Protein context (NP_000048.1, residues 937-957): QDGCQVICAT[Ile947Thr]AFGMGIDKPD